The following is an entry in ClinVar:

NM_021831.6(AGBL5):c.1610G>C (p.Arg537Pro)

Gene: AGBL5 (AGBL carboxypeptidase 5; plus strand). Cytogenetic location: 2p23.3.
Variant type: single nucleotide variant.
Coding change: c.1610G>C on transcript NM_021831.6 (MANE Select); coding-DNA position 1610, G replaced by C.
Protein change: p.Arg537Pro; replaces arginine 537 with proline.
Molecular consequence: missense variant. On other transcripts: non-coding transcript variant (2).
Genome position (GRCh38, 1-based): chr2:27,057,377, G>C. VCF-style: chr2-27057377-G-C. GRCh37 (hg19) VCF-style: chr2-27280245-G-C.
Other names: c.1610G>C, p.Arg537Pro (NM_001035507.3); short protein forms R537P.
Identifiers: ClinVar variation 970277 (VCV000970277.10), dbSNP rs746607000, ClinGen allele CA346183998.

ClinVar aggregate classification (germline): Uncertain significance (1 of 4 stars; one submission).

gnomAD v4.1: 1 of 1,614,002 alleles (0.000062%); highest among the groups gnomAD compares: East Asian, 0.0022%; no homozygotes.

Submission:

Labcorp Genetics (formerly Invitae), Labcorp
Classification: Uncertain significance. Last evaluated: 2024-12-02. Review status: criteria provided, single submitter. Criteria: Invitae Variant Classification Sherloc (09022015). Collection method: clinical testing. Allele origin: germline.
Comment: This sequence change replaces arginine, which is basic and polar, with proline, which is neutral and non-polar, at codon 537 of the AGBL5 protein (p.Arg537Pro). This variant is present in population databases (no rsID available, gnomAD 0.006%). This variant has not been reported in the literature in individuals affected with AGBL5-related conditions. ClinVar contains an entry for this variant (Variation ID: 970277). An algorithm developed to predict the effect of missense changes on protein structure and function (PolyPhen-2) suggests that this variant is likely to be disruptive. In summary, the available evidence is currently insufficient to determine the role of this variant in disease. Therefore, it has been classified as a Variant of Uncertain Significance.